The following is an entry in ClinVar:

ClinVar aggregate classification (germline): Uncertain significance (1 of 4 stars; one submission).

Conditions:
PLXNA3-related disorder. Also called: PLXNA3-related condition.

Submission:

PreventionGenetics, part of Exact Sciences
Classification: Uncertain significance for PLXNA3-related condition. Last evaluated: 2026-08-11. Review status: criteria provided, single submitter. Criteria: ACMG Guidelines, 2015. Collection method: clinical testing. Allele origin: germline.
Comment: The PLXNA3 c.5221_5224delAACA variant is predicted to result in a frameshift and premature protein termination (p.Asn1741Alafs*10). To our knowledge, this variant has not been reported in the literature or in a large population database (gnomAD), indicating this variant is rare. At this time, the clinical significance of this variant is uncertain due to the absence of conclusive functional and genetic evidence.

NM_017514.5(PLXNA3):c.5221_5224del (p.Asn1741fs)

Gene: PLXNA3 (plexin A3; plus strand). Cytogenetic location: Xq28.
Variant type: Deletion.
Coding change: c.5221_5224del on transcript NM_017514.5 (MANE Select); coding-DNA positions 5221 to 5224, 4 bases deleted (AACA; older notation c.5221_5224delAACA).
Protein change: p.Asn1741fs; shifts the reading frame from asparagine 1741.
Molecular consequence: frameshift variant.
Genome position (GRCh38, 1-based): chrX:154,471,169-154,471,172, AACA deleted. VCF-style (leftmost placement, unchanged base first): chrX-154471168-GAACA-G. GRCh37 (hg19) VCF-style: chrX-153699511-GAACA-G.
Other names: short protein forms N1741fs.
Identifiers: ClinVar variation 4992479 (VCV004992479.1).